The following is an entry in ClinVar:

ClinVar aggregate classification (germline): Uncertain significance (1 of 4 stars; one submission).

gnomAD v4.1: 1 of 1,598,528 alleles (0.000063%); highest among the groups gnomAD compares: Admixed American, 0.0017%; no homozygotes.

Submission:

Labcorp Genetics (formerly Invitae), Labcorp
Classification: Uncertain significance. Last evaluated: 2025-04-17. Review status: criteria provided, single submitter. Criteria: Invitae Variant Classification Sherloc (09022015). Collection method: clinical testing. Allele origin: germline.
Comment: This sequence change replaces proline, which is neutral and non-polar, with arginine, which is basic and polar, at codon 514 of the TNS2 protein (p.Pro514Arg). This variant is present in population databases (no rsID available, gnomAD 0.1%). This variant has not been reported in the literature in individuals affected with TNS2-related conditions. An algorithm developed to predict the effect of missense changes on protein structure and function (PolyPhen-2) suggests that this variant is likely to be disruptive. In summary, the available evidence is currently insufficient to determine the role of this variant in disease. Therefore, it has been classified as a Variant of Uncertain Significance.

NM_170754.4(TNS2):c.1511C>G (p.Pro504Arg)

Gene: TNS2 (tensin 2; plus strand). Cytogenetic location: 12q13.13.
Variant type: single nucleotide variant.
Coding change: c.1511C>G on transcript NM_170754.4 (MANE Select); coding-DNA position 1511, C replaced by G.
Protein change: p.Pro504Arg; replaces proline 504 with arginine.
Molecular consequence: missense variant.
Genome position (GRCh38, 1-based): chr12:53,059,152, C>G. VCF-style: chr12-53059152-C-G. GRCh37 (hg19) VCF-style: chr12-53452936-C-G.
Other names: c.1511C>G, p.Pro504Arg (NM_001416202.1); c.1469C>G, p.Pro490Arg (NM_001416203.1); c.1538C>G, p.Pro513Arg (NM_001416204.1); c.1442C>G, p.Pro481Arg (NM_015319.3); c.1139C>G, p.Pro380Arg (NM_198316.2); short protein forms P380R, P481R, P490R, P504R, P513R.
Identifiers: ClinVar variation 4797730 (VCV004797730.1).